The following is an entry in ClinVar:

NM_002439.5(MSH3):c.1454G>C (p.Gly485Ala)

Gene: MSH3 (mutS homolog 3; plus strand). Cytogenetic location: 5q14.1.
Variant type: single nucleotide variant.
Coding change: c.1454G>C on transcript NM_002439.5 (MANE Select); coding-DNA position 1454, G replaced by C.
Protein change: p.Gly485Ala; replaces glycine 485 with alanine.
Molecular consequence: missense variant.
Genome position (GRCh38, 1-based): chr5:80,728,851, G>C. VCF-style: chr5-80728851-G-C. GRCh37 (hg19) VCF-style: chr5-80024670-G-C.
Other names: short protein forms G485A.
Identifiers: ClinVar variation 2565678 (VCV002565678.2), dbSNP rs1743352233, ClinGen allele CA360274141.
Genomic context (GRCh38, chr5:80,728,851, plus strand): 5'-TTTTTAATTTGATTAATTTAAAAGAATTTTTATAACAAGTTAATATATTCTGTTTTCTAG[G>C]TTCTCAAATTATTTCTGGCATTGTTAACTTAGAGAAGCCTGTGATTTGCTCTTTGGCTGC-3'
Protein context (NP_002430.3, residues 475-495): FYAKDTVDIK[Gly485Ala]SQIISGIVNL

ClinVar aggregate classification (germline): Uncertain significance (1 of 4 stars; one submission).

Conditions:
Hereditary cancer-predisposing syndrome. Also called: Neoplastic Syndromes, Hereditary; Hereditary Cancer Syndrome; Hereditary neoplastic syndrome; Tumor predisposition. Identifiers: Orphanet 140162, MedGen C0027672, MeSH D009386, MONDO:0015356.

Submission:

Ambry Genetics
Classification: Uncertain significance for Hereditary cancer-predisposing syndrome. Last evaluated: 2023-05-21. Review status: criteria provided, single submitter. Criteria: Ambry Variant Classification Scheme 2023. Collection method: clinical testing. Allele origin: germline.
Comment: The p.G485A variant (also known as c.1454G>C) is located in coding exon 10 of the MSH3 gene. The glycine at codon 485 is replaced by alanine, an amino acid with similar properties. This change occurs in the first base pair of coding exon 10. This amino acid position is conserved. In addition, this alteration is predicted to be tolerated by in silico analysis. Since supporting evidence is limited at this time, the clinical significance of this alteration remains unclear.